The following is an entry in ClinVar:

ClinVar aggregate classification (germline): Uncertain significance (1 of 4 stars; one submission).

Conditions:
Bardet-Biedl syndrome (BBS). Identifiers: Orphanet 110, MedGen C0752166, MONDO:0015229.

Submission:

Labcorp Genetics (formerly Invitae), Labcorp
Classification: Uncertain significance for Bardet-Biedl syndrome. Last evaluated: 2021-10-11. Review status: criteria provided, single submitter. Criteria: Invitae Variant Classification Sherloc (09022015). Collection method: clinical testing. Allele origin: germline.
Comment: This sequence change replaces asparagine with aspartic acid at codon 242 of the BBS12 protein (p.Asn242Asp). The asparagine residue is moderately conserved and there is a small physicochemical difference between asparagine and aspartic acid. This variant is not present in population databases (ExAC no frequency). This variant has not been reported in the literature in individuals affected with BBS12-related conditions. Algorithms developed to predict the effect of missense changes on protein structure and function output the following: SIFT: "Tolerated"; PolyPhen-2: "Benign"; Align-GVGD: "Class C0". The aspartic acid amino acid residue is found in multiple mammalian species, which suggests that this missense change does not adversely affect protein function. In summary, the available evidence is currently insufficient to determine the role of this variant in disease. Therefore, it has been classified as a Variant of Uncertain Significance.

NM_152618.3(BBS12):c.724A>G (p.Asn242Asp)

Gene: BBS12 (Bardet-Biedl syndrome 12; plus strand). Cytogenetic location: 4q27.
Variant type: single nucleotide variant.
Coding change: c.724A>G on transcript NM_152618.3 (MANE Select); coding-DNA position 724, A replaced by G.
Protein change: p.Asn242Asp; replaces asparagine 242 with aspartic acid.
Molecular consequence: missense variant.
Genome position (GRCh38, 1-based): chr4:122,742,616, A>G. VCF-style: chr4-122742616-A-G. GRCh37 (hg19) VCF-style: chr4-123663771-A-G.
Other names: c.724A>G, p.Asn242Asp (NM_001178007.2); short protein forms N242D.
Identifiers: ClinVar variation 1485950 (VCV001485950.3), dbSNP rs2150736461, ClinGen allele CA358223555.